The following is an entry in ClinVar:

ClinVar aggregate classification (germline): Uncertain significance (1 of 4 stars; one submission).

Allele frequency attached by ClinVar (database versions not stated): gnomAD exomes below 0.00001.

Submission:

Labcorp Genetics (formerly Invitae), Labcorp
Classification: Uncertain significance. Last evaluated: 2022-04-06. Review status: criteria provided, single submitter. Criteria: Invitae Variant Classification Sherloc (09022015). Collection method: clinical testing. Allele origin: germline.
Comment: This sequence change replaces phenylalanine, which is neutral and non-polar, with cysteine, which is neutral and slightly polar, at codon 396 of the FERMT1 protein (p.Phe396Cys). This variant is not present in population databases (gnomAD no frequency). This variant has not been reported in the literature in individuals affected with FERMT1-related conditions. Algorithms developed to predict the effect of missense changes on protein structure and function are either unavailable or do not agree on the potential impact of this missense change (SIFT: "Deleterious"; PolyPhen-2: "Probably Damaging"; Align-GVGD: "Class C0"). In summary, the available evidence is currently insufficient to determine the role of this variant in disease. Therefore, it has been classified as a Variant of Uncertain Significance.

NM_017671.5(FERMT1):c.1187T>G (p.Phe396Cys)

Gene: FERMT1 (FERM domain containing kindlin 1; minus strand). Cytogenetic location: 20p12.3.
Variant type: single nucleotide variant.
Coding change: c.1187T>G on transcript NM_017671.5 (MANE Select); coding-DNA position 1187, T replaced by G.
Protein change: p.Phe396Cys; replaces phenylalanine 396 with cysteine.
Molecular consequence: missense variant.
Genome position (GRCh38, 1-based): chr20:6,089,042, A>C on the plus strand (T>G on the coding strand, the complement: FERMT1 is on the minus strand). VCF-style: chr20-6089042-A-C. GRCh37 (hg19) VCF-style: chr20-6069689-A-C.
Other names: short protein forms F396C.
Identifiers: ClinVar variation 1917689 (VCV001917689.5), dbSNP rs1982272932, ClinGen allele CA408181087.